The following is an entry in ClinVar:

NM_000038.6(APC):c.422+17T>C

Gene: APC (APC regulator of Wnt signaling pathway; plus strand). Cytogenetic location: 5q22.2.
Variant type: single nucleotide variant.
Coding change: c.422+17T>C on transcript NM_000038.6 (MANE Select); 17 bases into the intron after coding-DNA position 422, T replaced by C.
Molecular consequence: intron variant.
Genome position (GRCh38, 1-based): chr5:112,767,407, T>C. VCF-style: chr5-112767407-T-C. GRCh37 (hg19) VCF-style: chr5-112103104-T-C.
Other names: c.422+17T>C (NM_001354895.2, NM_001127510.3, NM_001354896.2 and 2 more transcripts); c.452+17T>C (NM_001354897.2, NM_001354902.2, NM_001127511.3); c.347+17T>C (NM_001354898.2, NM_001354904.2); c.-614+17T>C (NM_001354906.2); c.245+17T>C (NM_001354900.2, NM_001354901.2, NM_001354905.2).
Identifiers: ClinVar variation 508923 (VCV000508923.4), dbSNP rs1554069858, ClinGen allele CA658796570.

ClinVar aggregate classification (germline): Likely benign. Review status: criteria provided, multiple submitters, no conflicts (2 of 4 stars). 2 submissions from 2 submitters: Likely benign (2). Last evaluated 2024-11-11.

Conditions:
Familial adenomatous polyposis 1 (FAP1). Also called: FAMILIAL ADENOMATOUS POLYPOSIS 1, ATTENUATED; POLYPOSIS, ADENOMATOUS INTESTINAL. Identifiers: MedGen C2713442, MONDO:0021056, OMIM 175100. Disease mechanism: loss of function.

Submissions (2):

Labcorp Genetics (formerly Invitae), Labcorp
Classification: Likely benign for Familial adenomatous polyposis 1. Last evaluated: 2024-11-11. Review status: criteria provided, single submitter. Criteria: Invitae Variant Classification Sherloc (09022015). Collection method: clinical testing. Allele origin: germline.

GeneDx
Classification: Likely benign. Last evaluated: 2017-04-11. Review status: criteria provided, single submitter. Criteria: GeneDx Variant Classification (06012015). Collection method: clinical testing. Allele origin: germline. Affected: yes.
Comment: This variant is considered likely benign or benign based on one or more of the following criteria: it is a conservative change, it occurs at a poorly conserved position in the protein, it is predicted to be benign by multiple in silico algorithms, and/or has population frequency not consistent with disease.